The following is an entry in ClinVar:

ClinVar aggregate classification (germline): Likely pathogenic (1 of 4 stars; one submission).

Conditions:
Mirror movements 1 (MRMV1). Identifiers: Orphanet 238722, MedGen C1834870, OMIM 157600, MONDO:0008002.

Submission:

New York Genome Center
Classification: Likely pathogenic for Mirror movements 1. Last evaluated: 2024-03-21. Review status: criteria provided, single submitter. Criteria: NYGC Assertion Criteria 2020. Collection method: clinical testing. Allele origin: de novo. Observed: 1 variant allele, 1 heterozygote.
Comment: A de novo approximately 270 kb deletion was identified within the DCC gene. The deleted region of DCC completely contains exon 6 through 12 of this 29-exon gene. Deletion of this region of DCC is predicted to result in skipping of exons 6 through 12, causing a frameshift (p.(Val329GlufsTer5)) leading to loss-of-function via nonsense mediated decay. Multiple loss-of-function variants downstream to the deleted region have been reported in clinvar and literature [Clinvar ID: 1710471, 985049] and small CNV deleting multiple exons have been reported in an affected individual [PMID: 24808016]. Based on available evidence this de novo heterozygous chr18. 53010594_53281478del variant identified in the DCC is classified as Likely Pathogenic.

GRCh38/hg38 18q21.2(chr18:53010594-53281478)x1

Genes: DCC (DCC netrin 1 receptor; plus strand), MIR4528 (microRNA 4528; plus strand). Cytogenetic location: 18q21.2.
Variant type: copy number loss.
Change: copy number 1 (one copy instead of two) of chr18:53,010,594-53,281,478 (270.9 kb, GRCh38 coordinates, 1-based), cytogenetic band 18q21.2.
Identifiers: ClinVar variation 4888411 (VCV004888411.1).